The following is an entry in ClinVar:

ClinVar aggregate classification (germline): Conflicting classifications of pathogenicity. Review status: criteria provided, conflicting classifications (1 of 4 stars). 3 submissions from 3 submitters: Uncertain significance (1); Likely benign (2). Last evaluated 2026-08-05.

Conditions:
PHIP-related disorder. Also called: PHIP-related disorders; PHIP-related condition.

Allele frequency attached by ClinVar (database versions not stated): ExAC 0.00001; gnomAD exomes 0.00002; TOPMed 0.00003; gnomAD 0.00007.
gnomAD v4.1: 43 of 1,610,644 alleles (0.0027%); highest among the groups gnomAD compares: Middle Eastern, 0.017%; no homozygotes.

Submissions (3):

PreventionGenetics, part of Exact Sciences
Classification: Uncertain significance for PHIP-related condition. Last evaluated: 2026-08-05. Review status: criteria provided, single submitter. Criteria: ACMG Guidelines, 2015. Collection method: clinical testing. Allele origin: germline.
Comment: The PHIP c.2935C>T variant is predicted to result in the amino acid substitution p.Arg979Trp. This variant was reported in an individual with a neurodevelopmental disorder, but no additional studies were done to assess its pathogenicity (supplementary Data 5, Wang et al. 2020. PubMed ID: 33004838). This variant is reported in 0.0081% of alleles in individuals of African descent in gnomAD. Although we suspect this variant may be benign, at this time, the clinical significance of this variant is uncertain due to the absence of conclusive functional and genetic evidence.

Labcorp Genetics (formerly Invitae), Labcorp
Classification: Likely benign. Last evaluated: 2025-03-05. Review status: criteria provided, single submitter. Criteria: Invitae Variant Classification Sherloc (09022015). Collection method: clinical testing. Allele origin: germline.

Blueprint Genetics
Classification: Likely benign. Last evaluated: 2023-09-05. Review status: criteria provided, single submitter. Criteria: ACMG Guidelines, 2015. Collection method: clinical testing. Allele origin: germline.

NM_017934.7(PHIP):c.2935C>T (p.Arg979Trp)

Genes: IRAK1BP1 (interleukin 1 receptor associated kinase 1 binding protein 1; plus strand), PHIP (PHIP subunit of CUL4-Ring ligase complex; minus strand). Cytogenetic location: 6q14.1.
Variant type: single nucleotide variant.
Coding change: c.2935C>T on transcript NM_017934.7 (MANE Select); coding-DNA position 2935, C replaced by T.
Protein change: p.Arg979Trp; replaces arginine 979 with tryptophan.
Molecular consequence: missense variant.
Genome position (GRCh38, 1-based): chr6:78,970,843, G>A on the plus strand (C>T on the coding strand, the complement: PHIP is on the minus strand). VCF-style: chr6-78970843-G-A. GRCh37 (hg19) VCF-style: chr6-79680560-G-A.
Other names: c.2935C>T (NM_017934.6); short protein forms R979W.
Identifiers: ClinVar variation 2069866 (VCV002069866.8), dbSNP rs527358689, ClinGen allele CA3899818.
Genomic context (GRCh38, chr6:78,970,843, plus strand): 5'-GTAGCTCCATTTTATGCCATGGTTGTTTTTTGGGATTGATACTATATATTTTATTTTTCC[G>A]GGCCATTTCGACATAGGCTTCATGTCCTTGTCGGAAATAATAAACCTAAAAAATAAAGTC-3'
Protein context (NP_060404.4, residues 969-989): QGHEAYVEMA[Arg979Trp]KNKIYSINPK